The following is an entry in ClinVar:

ClinVar aggregate classification (germline): Benign/Likely benign. Review status: criteria provided, multiple submitters, no conflicts (2 of 4 stars). 3 submissions from 3 submitters: Benign (1); Likely benign (2). Last evaluated 2024-02-01.

Conditions:
Inborn genetic diseases. Identifiers: MedGen C0950123, MeSH D030342.

Allele frequency attached by ClinVar (database versions not stated): TOPMed 0.00037; gnomAD exomes 0.00040 and 0.00076; ExAC 0.00045; gnomAD 0.00047; ESP Exome Variant Server 0.00066.
gnomAD v4.1: 913 of 1,205,056 alleles (0.076%); highest among the groups gnomAD compares: Non-Finnish European, 0.092%; no homozygotes.

Submissions (3):

CeGaT Center for Human Genetics Tuebingen
Classification: Likely benign. Last evaluated: 2024-02-01. Review status: criteria provided, single submitter. Criteria: CeGaT Center For Human Genetics Tuebingen Variant Classification Criteria Version 2. Collection method: clinical testing. Allele origin: germline. Affected: yes. Observed: 3 variant alleles.
Comment: PHF8: BP4, BP7, BS2

Labcorp Genetics (formerly Invitae), Labcorp
Classification: Likely benign. Last evaluated: 2019-01-02. Review status: criteria provided, single submitter. Criteria: Invitae Variant Classification Sherloc (09022015). Collection method: clinical testing. Allele origin: germline.

Ambry Genetics
Classification: Benign for Inborn genetic diseases. Last evaluated: 2017-12-18. Review status: criteria provided, single submitter. Criteria: Ambry Variant Classification Scheme 2023. Collection method: clinical testing. Allele origin: germline.

NM_015107.3(PHF8):c.2205G>A (p.Ser735=)

Gene: PHF8 (PHD finger protein 8; minus strand). Cytogenetic location: Xp11.22.
Variant type: single nucleotide variant.
Coding change: c.2205G>A on transcript NM_015107.3 (MANE Select); coding-DNA position 2205, G replaced by A.
Protein change: p.Ser735=; no amino-acid change (serine 735 retained).
Molecular consequence: synonymous variant.
Genome position (GRCh38, 1-based): chrX:53,985,152, C>T on the plus strand (G>A on the coding strand, the complement: PHF8 is on the minus strand). VCF-style: chrX-53985152-C-T. GRCh37 (hg19) VCF-style: chrX-54011585-C-T.
Other names: c.2313G>A, p.Ser771= (NM_001184896.1); c.1902G>A, p.Ser634= (NM_001184897.2); c.2154G>A, p.Ser718= (NM_001184898.2).
Identifiers: ClinVar variation 743579 (VCV000743579.29), dbSNP rs144282765, ClinGen allele CA10423324.